The following is an entry in ClinVar:

ClinVar aggregate classification (germline): Benign (0 of 4 stars; one submission).

Conditions:
IGFALS-related disorder. Also called: IGFALS-related condition.

Allele frequency attached by ClinVar (database versions not stated): ExAC 0.02757; ESP Exome Variant Server 0.05436; 1000 Genomes Project 0.06929; 1000 Genomes Project 30x 0.07417; TOPMed 0.07731.
gnomAD v4.1: 19,778 of 1,494,870 alleles (1.3%); highest among the groups gnomAD compares: African/African-American, 24%; 2,124 homozygotes.

Submission:

PreventionGenetics, part of Exact Sciences
Classification: Benign for IGFALS-related condition. Last evaluated: 2019-11-06. Review status: no assertion criteria provided. Collection method: clinical testing. Allele origin: germline.
Comment: This variant is classified as benign based on ACMG/AMP sequence variant interpretation guidelines (Richards et al. 2015 PMID: 25741868, with internal and published modifications).

NM_004970.3(IGFALS):c.17-52C>T

Gene: IGFALS (insulin like growth factor binding protein acid labile subunit; minus strand). Cytogenetic location: 16p13.3.
Variant type: single nucleotide variant.
Coding change: c.17-52C>T on transcript NM_004970.3 (MANE Select); 52 bases into the intron before coding-DNA position 17, C replaced by T.
Molecular consequence: intron variant. On other transcripts: missense variant (1).
Genome position (GRCh38, 1-based): chr16:1,792,453, G>A on the plus strand (C>T on the coding strand, the complement: IGFALS is on the minus strand). VCF-style: chr16-1792453-G-A. GRCh37 (hg19) VCF-style: chr16-1842454-G-A.
Other names: c.79C>T, p.His27Tyr (NM_001146006.2); short protein forms H27Y.
Identifiers: ClinVar variation 3038081 (VCV003038081.2), dbSNP rs34680334, ClinGen allele CA7820773.